The following is an entry in ClinVar:

NC_000012.12:g.(?_21805164)_(21864487_?)dup

Gene: ABCC9 (ATP binding cassette subfamily C member 9; minus strand). Cytogenetic location: 12p12.1.
Variant type: Duplication.
Identifiers: ClinVar variation 831731 (VCV000831731.1).

ClinVar aggregate classification (germline): Uncertain significance (1 of 4 stars; one submission).

Conditions:
Dilated cardiomyopathy 1O (CMD1O). Also called: CARDIOMYOPATHY, DILATED, WITH VENTRICULAR TACHYCARDIA. Identifiers: Orphanet 154, MedGen C1837839, MONDO:0012062, OMIM 608569.

Submission:

Labcorp Genetics (formerly Invitae), Labcorp
Classification: Uncertain significance for Dilated cardiomyopathy 1O. Last evaluated: 2019-01-31. Review status: criteria provided, single submitter. Criteria: Invitae Variant Classification Sherloc (09022015). Collection method: clinical testing. Allele origin: germline.
Comment: This variant results in a copy number gain of the genomic region encompassing exons 17-38 of the ABCC9 gene. The 5' boundary is likely confined to intron 16. The 3' end of this event is unknown as it extends beyond the assayed region for this gene and therefore may encompass additional genes. As the precise location of this event is unknown, it may be in tandem or it may be located elsewhere in the genome. This variant has not been reported in the literature in individuals with ABCC9-related conditions. In summary, the available evidence is currently insufficient to determine the role of this variant in disease. Therefore, it has been classified as a Variant of Uncertain Significance.